The following is an entry in ClinVar:

NM_001267550.2(TTN):c.13450del (p.Glu4484fs)

Gene: TTN (titin; minus strand). Cytogenetic location: 2q31.2.
Variant type: Deletion.
Coding change: c.13450del on transcript NM_001267550.2 (MANE Select); coding-DNA position 13450, one base deleted (G; older notation c.13450delG).
Protein change: p.Glu4484fs; shifts the reading frame from glutamic acid 4484.
Molecular consequence: frameshift variant. On other transcripts: intron variant (1).
Genome position (GRCh38, 1-based): chr2:178,739,783, C deleted on the plus strand (G on the coding strand, the reverse complement: TTN is on the minus strand); the first of 2 consecutive C bases (chr2:178,739,783-178,739,784); deleting either gives the same sequence. VCF-style (leftmost placement, unchanged base first): chr2-178739782-TC-T. GRCh37 (hg19) VCF-style: chr2-179604509-TC-T.
Other names: c.12499del, p.Glu4167fs (NM_001256850.1); c.12361del, p.Glu4121fs (NM_003319.4); c.12736del, p.Glu4246fs (NM_133432.3); c.12937del, p.Glu4313fs (NM_133437.4); c.10361-1423del (NM_133378.4); short protein forms E4246fs, E4167fs, E4121fs, E4313fs, E4484fs.
Identifiers: ClinVar variation 958215 (VCV000958215.10), dbSNP rs2082158844, ClinGen allele CA1139657487.

ClinVar aggregate classification (germline): Likely pathogenic (1 of 4 stars; one submission).

Conditions:
Dilated cardiomyopathy 1G (CMD1G). Identifiers: Orphanet 154, MedGen C1858763, MONDO:0011400, OMIM 604145.
Autosomal recessive limb-girdle muscular dystrophy type 2J (LGMDR10). Also called: Limb-girdle muscular dystrophy, type 2J; MUSCULAR DYSTROPHY, LIMB-GIRDLE, AUTOSOMAL RECESSIVE 10. Identifiers: Orphanet 140922, MedGen C1837342, MONDO:0012127, OMIM 608807.

Submission:

Labcorp Genetics (formerly Invitae), Labcorp
Classification: Likely pathogenic for Dilated cardiomyopathy 1G; Autosomal recessive limb-girdle muscular dystrophy type 2J. Last evaluated: 2024-01-09. Review status: criteria provided, single submitter. Criteria: Invitae Variant Classification Sherloc (09022015). Collection method: clinical testing. Allele origin: germline.
Comment: This sequence change creates a premature translational stop signal (p.Glu4484Lysfs*2) in the TTN gene. While this is not anticipated to result in nonsense mediated decay, it is expected to create a truncated TTN protein. This variant is not present in population databases (gnomAD no frequency). This variant has not been observed in the literature in individuals with autosomal recessive TTN-related conditions. This variant has been reported in individual(s) with dilated cardiomyopathy (PMID: 35653365); however, the role of the variant in this condition is currently unclear. ClinVar contains an entry for this variant (Variation ID: 958215). This variant is located in the I band of TTN (PMID: 25589632). Truncating variants in this region have been reported in individuals affected with autosomal recessive centronuclear myopathy (PMID: 23975875, Invitae internal data). Truncating variants in this region have also been identified in individuals affected with autosomal dominant dilated cardiomyopathy and/or cardio-related conditions (PMID: 27869827, 32964742, Invitae internal data). In summary, the currently available evidence indicates that the variant is pathogenic, but additional data are needed to prove that conclusively. Therefore, this variant has been classified as Likely Pathogenic.

Literature cited by the submitters: PubMed 35653365; PubMed 25589632; PubMed 23975875; PubMed 27869827; PubMed 32964742.